The following is an entry in ClinVar:

ClinVar aggregate classification (germline): Uncertain significance (1 of 4 stars; one submission).

Submission:

Ambry Genetics
Classification: Uncertain significance. Last evaluated: 2025-09-18. Review status: criteria provided, single submitter. Criteria: Ambry Variant Classification Scheme 2023. Collection method: clinical testing. Allele origin: germline.
Comment: The p.P21R variant (also known as c.62C>G), located in coding exon 1 of the GFI1 gene, results from a C to G substitution at nucleotide position 62. The proline at codon 21 is replaced by arginine, an amino acid with dissimilar properties. This amino acid position is conserved. In addition, this alteration is predicted to be tolerated by in silico analysis. Based on the available evidence, the clinical significance of this variant remains unclear.

NM_005263.5(GFI1):c.62C>G (p.Pro21Arg)

Gene: GFI1 (growth factor independent 1 transcriptional repressor; minus strand). Cytogenetic location: 1p22.1.
Variant type: single nucleotide variant.
Coding change: c.62C>G on transcript NM_005263.5 (MANE Select); coding-DNA position 62, C replaced by G.
Protein change: p.Pro21Arg; replaces proline 21 with arginine.
Molecular consequence: missense variant.
Genome position (GRCh38, 1-based): chr1:92,483,426, G>C on the plus strand (C>G on the coding strand, the complement: GFI1 is on the minus strand). VCF-style: chr1-92483426-G-C. GRCh37 (hg19) VCF-style: chr1-92948983-G-C.
Other names: c.62C>G, p.Pro21Arg (NM_001127215.3, NM_001127216.3); short protein forms P21R.
Identifiers: ClinVar variation 4671553 (VCV004671553.1).